The following is an entry in ClinVar:

NM_001165899.2(PDE4D):c.80A>G (p.Glu27Gly)

Gene: PDE4D (phosphodiesterase 4D; minus strand). Cytogenetic location: 5q12.1.
Variant type: single nucleotide variant.
Coding change: c.80A>G on transcript NM_001165899.2; coding-DNA position 80, A replaced by G.
Protein change: p.Glu27Gly; replaces glutamic acid 27 with glycine.
Molecular consequence: missense variant. On other transcripts: 5 prime UTR variant (1).
Genome position (GRCh38, 1-based): chr5:59,988,680, T>C on the plus strand (A>G on the coding strand, the complement: PDE4D is on the minus strand). VCF-style: chr5-59988680-T-C. GRCh37 (hg19) VCF-style: chr5-59284507-T-C.
Other names: c.50A>G, p.Glu17Gly (NM_001349241.2); c.-432A>G (NM_001349243.2); c.80A>G, p.Glu27Gly (NM_001364599.1, NM_001364600.2); short protein forms E17G, E27G.
Identifiers: ClinVar variation 4881074 (VCV004881074.2).

ClinVar aggregate classification (germline): Uncertain significance (1 of 4 stars; one submission).

gnomAD v4.1: 12 of 1,598,674 alleles (0.00075%); highest among the groups gnomAD compares: Admixed American, 0.0033%; no homozygotes.

Submission:

Dasa
Classification: Uncertain significance. Last evaluated: 2025-11-25. Review status: criteria provided, single submitter. Criteria: DASA Assertion Criteria. Collection method: clinical testing. Allele origin: germline.
Comment: NM_001165899.2(PDE4D):c.80A>G (p.Glu27Gly) is a missense variant that results in the substitution of glutamic acid with glycine. This variant is rare in population databases. Computational prediction algorithms are consistent with a benign effect. The currently available literature and clinical evidence are not sufficient to establish a definitive association between this variant and the reported condition. Therefore, this variant is classified as a variant of uncertain significance.